The following is an entry in ClinVar:

NM_000368.5(TSC1):c.1232T>C (p.Leu411Pro)

Gene: TSC1 (TSC complex subunit 1; minus strand). Cytogenetic location: 9q34.13.
Variant type: single nucleotide variant.
Coding change: c.1232T>C on transcript NM_000368.5 (MANE Select); coding-DNA position 1232, T replaced by C.
Protein change: p.Leu411Pro; replaces leucine 411 with proline.
Molecular consequence: missense variant.
Genome position (GRCh38, 1-based): chr9:132,910,602, A>G on the plus strand (T>C on the coding strand, the complement: TSC1 is on the minus strand). VCF-style: chr9-132910602-A-G. GRCh37 (hg19) VCF-style: chr9-135785989-A-G.
Other names: c.1229T>C, p.Leu410Pro (NM_001162426.2, NM_001406608.1, NM_001406609.1 and 6 more transcripts); c.1079T>C, p.Leu360Pro (NM_001162427.2, NM_001406610.1); c.869T>C, p.Leu290Pro (NM_001362177.2, NM_001406614.1, NM_001406615.1 and 5 more transcripts); c.1232T>C, p.Leu411Pro (NM_001406592.1, NM_001406593.1, NM_001406594.1 and 7 more transcripts); c.1076T>C, p.Leu359Pro (NM_001406611.1, NM_001406612.1, NM_001406613.1); c.866T>C, p.Leu289Pro (NM_001406625.1, NM_001406620.1, NM_001406621.1 and 2 more transcripts); c.281T>C, p.Leu94Pro (NM_001406626.1); c.278T>C, p.Leu93Pro (NM_001406627.1, NM_001406628.1); and 1 more; short protein forms L360P, L411P, L60P, L290P, L93P, L359P, L289P, L410P.
Identifiers: ClinVar variation 2010739 (VCV002010739.4), dbSNP rs140410001, ClinGen allele CA375366836.
Genomic context (GRCh38, chr9:132,910,602, plus strand): 5'-AGAGGGATAGCAGACGAGCTGGATCGCACCTTCCTGGGGGGTGTGACTGTGGCCTGGGGG[A>G]GTGAAATGTGCACGTAGTCATCCGAATGACAGAGTGGGGCTGGAGGAGGAGAGGTTGCTG-3'
Protein context (NP_000359.1, residues 401-421): CHSDDYVHIS[Leu411Pro]PQATVTPPRK

ClinVar aggregate classification (germline): Uncertain significance (1 of 4 stars; one submission).

Conditions:
Tuberous sclerosis 1 (TSC1). Identifiers: Orphanet 805, MedGen C1854465, MONDO:0008612, OMIM 191100.

gnomAD v4.1: 1 of 1,613,894 alleles (0.000062%); highest among the groups gnomAD compares: African/African-American, 0.0013%; no homozygotes.

Submission:

Labcorp Genetics (formerly Invitae), Labcorp
Classification: Uncertain significance for Tuberous sclerosis 1. Last evaluated: 2022-06-26. Review status: criteria provided, single submitter. Criteria: Invitae Variant Classification Sherloc (09022015). Collection method: clinical testing. Allele origin: germline.
Comment: This sequence change replaces leucine, which is neutral and non-polar, with proline, which is neutral and non-polar, at codon 411 of the TSC1 protein (p.Leu411Pro). This variant is not present in population databases (gnomAD no frequency). This variant has not been reported in the literature in individuals affected with TSC1-related conditions. Algorithms developed to predict the effect of missense changes on protein structure and function output the following: SIFT: "Tolerated"; PolyPhen-2: "Benign"; Align-GVGD: "Class C0". The proline amino acid residue is found in multiple mammalian species, which suggests that this missense change does not adversely affect protein function. In summary, the available evidence is currently insufficient to determine the role of this variant in disease. Therefore, it has been classified as a Variant of Uncertain Significance.